The following is an entry in ClinVar:

ClinVar aggregate classification (germline): Benign/Likely benign. Review status: criteria provided, multiple submitters, no conflicts (2 of 4 stars). 3 submissions from 3 submitters: Benign (1); Likely benign (1). 1 of the submissions does not count toward it. Last evaluated 2025-12-06.

Conditions:
Primary ciliary dyskinesia. Also called: Ciliary dyskinesia. Identifiers: Orphanet 244, MedGen C0008780, MONDO:0016575, HP:0012265.
DNAH11-related disorder. Also called: DNAH11-related condition.

Allele frequency attached by ClinVar (database versions not stated): gnomAD exomes 0.00007 and 0.00019; ExAC 0.00022; ESP Exome Variant Server 0.00076; gnomAD 0.00084 and 0.00092; TOPMed 0.00099.
gnomAD v4.1: 237 of 1,613,440 alleles (0.015%); highest among the groups gnomAD compares: African/African-American, 0.28%; no homozygotes.

Submissions (3):

Labcorp Genetics (formerly Invitae), Labcorp
Classification: Likely benign for Primary ciliary dyskinesia. Last evaluated: 2025-12-06. Review status: criteria provided, single submitter. Criteria: Invitae Variant Classification Sherloc (09022015). Collection method: clinical testing. Allele origin: germline.

Ambry Genetics
Classification: Benign for Primary ciliary dyskinesia. Last evaluated: 2024-02-20. Review status: criteria provided, single submitter. Criteria: Ambry Variant Classification Scheme 2023. Collection method: clinical testing. Allele origin: germline.

PreventionGenetics, part of Exact Sciences
Classification: Likely benign for DNAH11-related condition. Last evaluated: 2022-05-23. Review status: no assertion criteria provided. Collection method: clinical testing. Allele origin: germline. Not counted in ClinVar's aggregate classification.
Comment: This variant is classified as likely benign based on ACMG/AMP sequence variant interpretation guidelines (Richards et al. 2015 PMID: 25741868, with internal and published modifications).

NM_001277115.2(DNAH11):c.9795G>T (p.Glu3265Asp)

Gene: DNAH11 (dynein axonemal heavy chain 11; plus strand). Cytogenetic location: 7p15.3.
Variant type: single nucleotide variant.
Coding change: c.9795G>T on transcript NM_001277115.2 (MANE Select); coding-DNA position 9795, G replaced by T.
Protein change: p.Glu3265Asp; replaces glutamic acid 3265 with aspartic acid.
Molecular consequence: missense variant.
Genome position (GRCh38, 1-based): chr7:21,787,454, G>T. VCF-style: chr7-21787454-G-T. GRCh37 (hg19) VCF-style: chr7-21827072-G-T.
Other names: short protein forms E3265D.
Identifiers: ClinVar variation 696494 (VCV000696494.14), dbSNP rs200614172, ClinGen allele CA4182118.